The following is an entry in ClinVar:

NM_001166108.2(PALLD):c.1965-12967C>T

Gene: PALLD (palladin, cytoskeletal associated protein; plus strand). Cytogenetic location: 4q32.3.
Variant type: single nucleotide variant.
Coding change: c.1965-12967C>T on transcript NM_001166108.2 (MANE Select); 12967 bases into the intron before coding-DNA position 1965, C replaced by T.
Molecular consequence: intron variant. On other transcripts: missense variant (1).
Genome position (GRCh38, 1-based): chr4:168,877,955, C>T. VCF-style: chr4-168877955-C-T. GRCh37 (hg19) VCF-style: chr4-169799106-C-T.
Other names: c.64C>T, p.Arg22Cys (NM_001166110.2); c.1965-12967C>T (NM_016081.4); c.819-12967C>T (NM_001166109.2); c.-157-12967C>T (NM_001367570.1, NM_001367568.1, NM_001367567.1 and 1 more transcripts); short protein forms R22C.
Identifiers: ClinVar variation 4861548 (VCV004861548.1).

ClinVar aggregate classification (germline): Uncertain significance (1 of 4 stars; one submission).

gnomAD v4.1: 1 of 1,501,636 alleles (0.000067%); highest among the groups gnomAD compares: Non-Finnish European, 0.000088%; no homozygotes.

Submission:

Ambry Genetics
Classification: Uncertain significance. Last evaluated: 2026-04-28. Review status: criteria provided, single submitter. Criteria: Ambry Variant Classification Scheme 2023. Collection method: clinical testing. Allele origin: germline.
Comment: The p.R22C variant (also known as c.64C>T), located in coding exon 1 of the PALLD gene, results from a C to T substitution at nucleotide position 64. The arginine at codon 22 is replaced by cysteine, an amino acid with highly dissimilar properties. This amino acid position is conserved. In addition, this alteration is predicted to be deleterious by in silico analysis. Based on the available evidence, the clinical significance of this variant remains unclear.